The following is an entry in ClinVar:

ClinVar aggregate classification (germline): Uncertain significance (1 of 4 stars; one submission).

Conditions:
Blau syndrome (BLAUS). Also called: GRANULOMATOSIS, FAMILIAL JUVENILE SYSTEMIC; GRANULOMATOSIS, FAMILIAL, BLAU TYPE; GRANULOMATOUS INFLAMMATORY ARTHRITIS, DERMATITIS, AND UVEITIS, FAMILIAL; JABS SYNDROME; ARTHROCUTANEOUVEAL GRANULOMATOSIS. Identifiers: Orphanet 90340, MedGen C5201146, MONDO:0008523, OMIM 186580.
Regional enteritis. Also called: Enteritis, Granulomatous. Identifiers: MedGen C0678202, MeSH D003424.

Allele frequency attached by ClinVar (database versions not stated): gnomAD exomes below 0.00001.
gnomAD v4.1: 1 of 1,613,928 alleles (0.000062%); highest among the groups gnomAD compares: Non-Finnish European, 0.000085%; no homozygotes.

Submission:

Labcorp Genetics (formerly Invitae), Labcorp
Classification: Uncertain significance for Regional enteritis; Blau syndrome. Last evaluated: 2021-08-19. Review status: criteria provided, single submitter. Criteria: Invitae Variant Classification Sherloc (09022015). Collection method: clinical testing. Allele origin: germline.
Comment: This sequence change replaces glycine with serine at codon 728 of the NOD2 protein (p.Gly728Ser). The glycine residue is highly conserved and there is a small physicochemical difference between glycine and serine. This variant is not present in population databases (ExAC no frequency). This variant has not been reported in the literature in individuals affected with NOD2-related conditions. Advanced modeling of protein sequence and biophysical properties (such as structural, functional, and spatial information, amino acid conservation, physicochemical variation, residue mobility, and thermodynamic stability) performed at Invitae indicates that this missense variant is not expected to disrupt NOD2 protein function. In summary, the available evidence is currently insufficient to determine the role of this variant in disease. Therefore, it has been classified as a Variant of Uncertain Significance.

NM_001370466.1(NOD2):c.2101G>A (p.Gly701Ser)

Gene: NOD2 (nucleotide binding oligomerization domain containing 2; plus strand). Cytogenetic location: 16q12.1.
Variant type: single nucleotide variant.
Coding change: c.2101G>A on transcript NM_001370466.1 (MANE Select); coding-DNA position 2101, G replaced by A.
Protein change: p.Gly701Ser; replaces glycine 701 with serine.
Molecular consequence: missense variant. On other transcripts: non-coding transcript variant (1).
Genome position (GRCh38, 1-based): chr16:50,712,093, G>A. VCF-style: chr16-50712093-G-A. GRCh37 (hg19) VCF-style: chr16-50746004-G-A.
Other names: c.2101G>A, p.Gly701Ser (NM_001293557.2); c.2182G>A, p.Gly728Ser (NM_022162.3); short protein forms G701S, G728S.
Identifiers: ClinVar variation 1376490 (VCV001376490.6), dbSNP rs1964553940, ClinGen allele CA395871232.
Genomic context (GRCh38, chr16:50,712,093, plus strand): 5'-CGCTGGTGTCTGGCCCGCAGCCTCCGCAAGCACTTCCACTCCATCCCGCCAGCTGCACCG[G>A]GTGAGGCCAAGAGCGTGCATGCCATGCCCGGGTTCATCTGGCTCATCCGGAGCCTGTACG-3'
Protein context (NP_001357395.1, residues 691-711): HFHSIPPAAP[Gly701Ser]EAKSVHAMPG